The following is an entry in ClinVar:

ClinVar aggregate classification (germline): Conflicting classifications of pathogenicity. Review status: criteria provided, conflicting classifications (1 of 4 stars). 8 submissions from 8 submitters: Uncertain significance (1); Benign (4); Likely benign (2). 1 of the submissions does not count toward it. Last evaluated 2026-01-28.

Conditions:
Pendred syndrome (PDS). Also called: GOITER-DEAFNESS SYNDROME; HYPOTHYROIDISM, CONGENITAL, DUE TO DYSHORMONOGENESIS, 2B; Pendred's syndrome; THYROID DYSHORMONOGENESIS 2B; THYROID HORMONOGENESIS, GENETIC DEFECT IN, 2B; DEAFNESS WITH GOITER. Identifiers: Orphanet 705, MedGen C0271829, MONDO:0010134, OMIM 274600.

Allele frequency attached by ClinVar (database versions not stated): gnomAD 0.00021 and 0.00059; TOPMed 0.00035; ESP Exome Variant Server 0.00046; gnomAD exomes 0.00187; ExAC 0.00203; 1000 Genomes Project 30x 0.00219; 1000 Genomes Project 0.00220.
gnomAD v4.1: 1,612 of 1,454,764 alleles (0.11%); highest among the groups gnomAD compares: South Asian, 1.3%; 17 homozygotes.

Submissions (8):

Labcorp Genetics (formerly Invitae), Labcorp
Classification: Benign. Last evaluated: 2026-01-28. Review status: criteria provided, single submitter. Criteria: Invitae Variant Classification Sherloc (09022015). Collection method: clinical testing. Allele origin: germline.

Mayo Clinic Laboratories, Mayo Clinic
Classification: Benign. Last evaluated: 2024-10-16. Review status: criteria provided, single submitter. Criteria: ACMG Guidelines, 2015. Collection method: clinical testing. Allele origin: germline. Observed: 1 variant allele.
Comment: BA1, BS2, BP4, BP7

GeneDx
Classification: Likely benign. Last evaluated: 2018-06-08. Review status: criteria provided, single submitter. Criteria: GeneDx Variant Classification (06012015). Collection method: clinical testing. Allele origin: germline. Affected: yes.
Comment: This variant is considered likely benign or benign based on one or more of the following criteria: it is a conservative change, it occurs at a poorly conserved position in the protein, it is predicted to be benign by multiple in silico algorithms, and/or has population frequency not consistent with disease.

Eurofins Ntd Llc (ga)
Classification: Benign. Last evaluated: 2017-05-30. Review status: criteria provided, single submitter. Criteria: EGL Classification Definitions 2015. Collection method: clinical testing. Allele origin: germline. Observed: 1 variant allele, 1 heterozygote.

Illumina Laboratory Services, Illumina
Classification: Uncertain significance for Pendred syndrome. Last evaluated: 2017-04-28. Review status: criteria provided, single submitter. Criteria: ICSL Variant Classification Criteria 13 December 2019. Collection method: clinical testing. Allele origin: germline.
Comment: This variant was observed as part of a predisposition screen in an ostensibly healthy population. A literature search was performed for the gene, cDNA change, and amino acid change (where applicable). Publications were found based on this search. However, the evidence from the literature, in combination with allele frequency data from public databases where available, was not sufficient to rule this variant in or out of causing disease. Therefore, this variant is classified as a variant of unknown significance.

Laboratory for Molecular Medicine, Mass General Brigham Personalized Medicine
Classification: Benign. Last evaluated: 2015-02-24. Review status: criteria provided, single submitter. Criteria: LMM Criteria. Collection method: clinical testing. Allele origin: germline. Observed: 7 variant alleles.
Comment: 1544+9C>T in Intron 13 of SLC26A4: This variant is not expected to have clinical significance because it is not located within the conserved splice consensus se quence and has been identified in 1.3% (213/16512) of South Asian chromosomes b y the Exome Aggregation Consortium (ExAC; dbSNP rs368970459 ).

Broad Center for Mendelian Genomics, Broad Institute of MIT and Harvard
Classification: Likely benign for Pendred syndrome. Review status: criteria provided, single submitter. Criteria: ACMG Guidelines, 2015. Collection method: research. Allele origin: germline. Inheritance: Autosomal recessive inheritance. Affected: yes.
Comment: The heterozygous c.1544+9C>T variant in SLC26A4 has been identified in 3 individuals with Pendred syndrome (PMID: 21704276, 25214170, 21961810), but has also been identified in >1% of South Asian chromosomes and 2 homozygotes by ExAC. In summary, although additional studies are required to fully establish its clinical significance, this variant meets criteria to be classified as likely benign for autosomal recessive Pendred syndrome.

Natera, Inc.
Classification: Likely benign for Pendred syndrome. Last evaluated: 2020-06-14. Review status: no assertion criteria provided. Collection method: clinical testing. Allele origin: germline. Not counted in ClinVar's aggregate classification.

Literature cited by the submitters: PubMed 28389359 (cited by Illumina Laboratory Services, Illumina); PubMed 21704276 (cited by Broad Center for Mendelian Genomics, Broad Institute of MIT and Harvard); PubMed 25214170 (cited by Broad Center for Mendelian Genomics, Broad Institute of MIT and Harvard); PubMed 21961810 (cited by Broad Center for Mendelian Genomics, Broad Institute of MIT and Harvard).

NM_000441.2(SLC26A4):c.1544+9C>T

Gene: SLC26A4 (solute carrier family 26 member 4; plus strand). Cytogenetic location: 7q22.3.
Variant type: single nucleotide variant.
Coding change: c.1544+9C>T on transcript NM_000441.2 (MANE Select); 9 bases into the intron after coding-DNA position 1544, C replaced by T.
Molecular consequence: intron variant.
Genome position (GRCh38, 1-based): chr7:107,696,048, C>T. VCF-style: chr7-107696048-C-T. GRCh37 (hg19) VCF-style: chr7-107336493-C-T.
Other names: p.?.
Identifiers: ClinVar variation 165255 (VCV000165255.27), dbSNP rs368970459, ClinGen allele CA177998.